The following is an entry in ClinVar:

ClinVar aggregate classification (germline): Uncertain significance (1 of 4 stars; one submission).

gnomAD v4.1: 3 of 1,614,148 alleles (0.00019%); highest among the groups gnomAD compares: East Asian, 0.0022%; no homozygotes.

Submission:

Labcorp Genetics (formerly Invitae), Labcorp
Classification: Uncertain significance. Last evaluated: 2025-07-06. Review status: criteria provided, single submitter. Criteria: Invitae Variant Classification Sherloc (09022015). Collection method: clinical testing. Allele origin: germline.
Comment: This sequence change replaces leucine, which is neutral and non-polar, with arginine, which is basic and polar, at codon 47 of the NDUFAF7 protein (p.Leu47Arg). This variant is present in population databases (rs767578534, gnomAD 0.006%). This variant has not been reported in the literature in individuals affected with NDUFAF7-related conditions. An algorithm developed to predict the effect of missense changes on protein structure and function (PolyPhen-2) suggests that this variant is likely to be disruptive. In summary, the available evidence is currently insufficient to determine the role of this variant in disease. Therefore, it has been classified as a Variant of Uncertain Significance.

NM_144736.5(NDUFAF7):c.140T>G (p.Leu47Arg)

Gene: NDUFAF7 (NADH:ubiquinone oxidoreductase complex assembly factor 7; plus strand). Cytogenetic location: 2p22.2.
Variant type: single nucleotide variant.
Coding change: c.140T>G on transcript NM_144736.5 (MANE Select); coding-DNA position 140, T replaced by G.
Protein change: p.Leu47Arg; replaces leucine 47 with arginine.
Molecular consequence: missense variant. On other transcripts: non-coding transcript variant (10).
Genome position (GRCh38, 1-based): chr2:37,232,190, T>G. VCF-style: chr2-37232190-T-G. GRCh37 (hg19) VCF-style: chr2-37459333-T-G.
Other names: c.140T>G, p.Leu47Arg (NM_001350024.2, NM_001350025.2, NM_001350027.2 and 1 more transcripts); short protein forms L47R.
Identifiers: ClinVar variation 4775772 (VCV004775772.1).